The following is an entry in ClinVar:

NM_001165963.4(SCN1A):c.852T>C (p.Asn284=)

Gene: SCN1A (sodium voltage-gated channel alpha subunit 1; minus strand). Cytogenetic location: 2q24.3.
Variant type: single nucleotide variant.
Coding change: c.852T>C on transcript NM_001165963.4 (MANE Select); coding-DNA position 852, T replaced by C.
Protein change: p.Asn284=; no amino-acid change (asparagine 284 retained).
Molecular consequence: synonymous variant. On other transcripts: 5 prime UTR variant (1), non-coding transcript variant (1).
Genome position (GRCh38, 1-based): chr2:166,051,831, A>G on the plus strand (T>C on the coding strand, the complement: SCN1A is on the minus strand). VCF-style: chr2-166051831-A-G. GRCh37 (hg19) VCF-style: chr2-166908341-A-G.
Other names: c.852T>C, p.Asn284= (NM_001353948.2, NM_001353949.2, NM_001353950.2 and 10 more transcripts); c.-1574T>C (NM_001353961.2).
Identifiers: ClinVar variation 381506 (VCV000381506.9), dbSNP rs748747434, ClinGen allele CA1943431.
Genomic context (GRCh38, chr2:166,051,831, plus strand): 5'-AAGTGTACCATTATAATTCACAGTTATATTCTTTTCTATACTATGTTCCTCCAAGGAAGC[A>G]TTGGTGGGAGGCCATTGTATACATTTATTCCTCAGGTTGCCCATGAACAGCTGCAGCCCA-3'
Protein context (NP_001159435.1, residues 274-294): RNKCIQWPPT[Asn284=]ASLEEHSIEK

ClinVar aggregate classification (germline): Conflicting classifications of pathogenicity. Review status: criteria provided, conflicting classifications (1 of 4 stars). 3 submissions from 3 submitters: Uncertain significance (1); Likely benign (2). Last evaluated 2023-07-07.

Conditions:
Early-infantile DEE. Also called: Ohtahara syndrome; Early infantile epileptic encephalopathy with suppression bursts; Early infantile epileptic encephalopathy. Identifiers: Orphanet 1934, MedGen C0393706, MONDO:0800491.

Allele frequency attached by ClinVar (database versions not stated): gnomAD below 0.00001 and 0.00001; ExAC 0.00002; gnomAD exomes 0.00004.
gnomAD v4.1: 37 of 1,612,516 alleles (0.0023%); highest among the groups gnomAD compares: South Asian, 0.038%; no homozygotes.

Submissions (3):

Labcorp Genetics (formerly Invitae), Labcorp
Classification: Likely benign for Early-infantile DEE. Last evaluated: 2023-07-07. Review status: criteria provided, single submitter. Criteria: Invitae Variant Classification Sherloc (09022015). Collection method: clinical testing. Allele origin: germline.

Eurofins Ntd Llc (ga)
Classification: Uncertain significance. Last evaluated: 2017-11-17. Review status: criteria provided, single submitter. Criteria: EGL Classification Definitions 2015. Collection method: clinical testing. Allele origin: germline. Observed: 1 variant allele, 1 heterozygote.

GeneDx
Classification: Likely benign. Last evaluated: 2015-11-10. Review status: criteria provided, single submitter. Criteria: GeneDx Variant Classification (06012015). Collection method: clinical testing. Allele origin: germline. Affected: yes.
Comment: This variant is considered likely benign or benign based on one or more of the following criteria: it is a conservative change, it occurs at a poorly conserved position in the protein, it is predicted to be benign by multiple in silico algorithms, and/or has population frequency not consistent with disease.